The following is an entry in ClinVar:

ClinVar aggregate classification (germline): Conflicting classifications of pathogenicity. Review status: criteria provided, conflicting classifications (1 of 4 stars). 5 submissions from 5 submitters: Uncertain significance (4); Likely benign (1). Last evaluated 2026-01-01.

Conditions:
Emery-Dreifuss muscular dystrophy 5, autosomal dominant (EDMD5). Also called: EMERY-DREIFUSS MUSCULAR DYSTROPHY 5. Identifiers: Orphanet 261, MedGen C2751805, MONDO:0013072, OMIM 612999.

Allele frequency attached by ClinVar (database versions not stated): gnomAD 0.00006 and 0.00007; TOPMed 0.00009; ExAC 0.00018.
gnomAD v4.1: 105 of 1,613,978 alleles (0.0065%); highest among the groups gnomAD compares: Admixed American, 0.048%; 1 homozygote.

Submissions (5):

CeGaT Center for Human Genetics Tuebingen
Classification: Likely benign. Last evaluated: 2026-01-01. Review status: criteria provided, single submitter. Criteria: CeGaT Center For Human Genetics Tuebingen Variant Classification Criteria Version 2. Collection method: clinical testing. Allele origin: germline. Affected: yes. Observed: 2 variant alleles.
Comment: SYNE2: BP4, BS2

Labcorp Genetics (formerly Invitae), Labcorp
Classification: Uncertain significance for Emery-Dreifuss muscular dystrophy 5, autosomal dominant. Last evaluated: 2025-11-01. Review status: criteria provided, single submitter. Criteria: Invitae Variant Classification Sherloc (09022015). Collection method: clinical testing. Allele origin: germline.
Comment: This sequence change replaces aspartic acid, which is acidic and polar, with asparagine, which is neutral and polar, at codon 6714 of the SYNE2 protein (p.Asp6714Asn). This variant is present in population databases (rs751000273, gnomAD 0.05%), and has an allele count higher than expected for a pathogenic variant. This variant has not been reported in the literature in individuals affected with SYNE2-related conditions. ClinVar contains an entry for this variant (Variation ID: 282289). An algorithm developed to predict the effect of missense changes on protein structure and function outputs the following: PolyPhen-2: "Benign". The asparagine amino acid residue is found in multiple mammalian species, which suggests that this missense change does not adversely affect protein function. In summary, the available evidence is currently insufficient to determine the role of this variant in disease. Therefore, it has been classified as a Variant of Uncertain Significance.

Ambry Genetics
Classification: Uncertain significance. Last evaluated: 2025-05-19. Review status: criteria provided, single submitter. Criteria: Ambry Variant Classification Scheme 2023. Collection method: clinical testing. Allele origin: germline.

Revvity Omics, Revvity
Classification: Uncertain significance for Emery-Dreifuss muscular dystrophy 5, autosomal dominant. Last evaluated: 2019-09-13. Review status: criteria provided, single submitter. Criteria: ACMG Guidelines, 2015. Collection method: clinical testing. Allele origin: germline.

Eurofins Ntd Llc (ga)
Classification: Uncertain significance. Last evaluated: 2015-08-06. Review status: criteria provided, single submitter. Criteria: EGL Classification Definitions 2015. Collection method: clinical testing. Allele origin: germline. Observed: 1 variant allele, 1 heterozygote.

NM_182914.3(SYNE2):c.20140G>A (p.Asp6714Asn)

Gene: SYNE2 (spectrin repeat containing nuclear envelope protein 2; plus strand). Cytogenetic location: 14q23.2.
Variant type: single nucleotide variant.
Coding change: c.20140G>A on transcript NM_182914.3 (MANE Select); coding-DNA position 20140, G replaced by A.
Protein change: p.Asp6714Asn; replaces aspartic acid 6714 with asparagine.
Molecular consequence: missense variant.
Genome position (GRCh38, 1-based): chr14:64,221,654, G>A. VCF-style: chr14-64221654-G-A. GRCh37 (hg19) VCF-style: chr14-64688372-G-A.
Other names: c.20071G>A, p.Asp6691Asn (NM_015180.6); c.706G>A, p.Asp236Asn (NM_182910.2); c.1084G>A, p.Asp362Asn (NM_182913.4); short protein forms D6714N, D362N, D6691N, D236N.
Identifiers: ClinVar variation 282289 (VCV000282289.26), dbSNP rs751000273, ClinGen allele CA7224731.